The following is an entry in ClinVar:

NM_170665.4(ATP2A2):c.2777C>G (p.Pro926Arg)

Gene: ATP2A2 (ATPase sarcoplasmic/endoplasmic reticulum Ca2+ transporting 2; plus strand). Cytogenetic location: 12q24.11.
Variant type: single nucleotide variant.
Coding change: c.2777C>G on transcript NM_170665.4 (MANE Select); coding-DNA position 2777, C replaced by G.
Protein change: p.Pro926Arg; replaces proline 926 with arginine.
Molecular consequence: missense variant.
Genome position (GRCh38, 1-based): chr12:110,346,036, C>G. VCF-style: chr12-110346036-C-G. GRCh37 (hg19) VCF-style: chr12-110783841-C-G.
Other names: c.2777C>G, p.Pro926Arg (NM_001681.4); short protein forms P926R.
Identifiers: ClinVar variation 1303773 (VCV001303773.3), dbSNP rs1879821773, ClinGen allele CA386677666.

ClinVar aggregate classification (germline): Conflicting classifications of pathogenicity. Review status: criteria provided, conflicting classifications (1 of 4 stars). 2 submissions from 2 submitters: Likely pathogenic (1); Uncertain significance (1). Last evaluated 2022-07-29.

Conditions:
ATP2A2-related disorder. Also called: ATP2A2-related condition; ATP2A2-Related Disorders.

Allele frequency attached by ClinVar (database versions not stated): TOPMed below 0.00001; gnomAD 0.00001.
gnomAD v4.1: 1 of 1,614,058 alleles (0.000062%); highest among the groups gnomAD compares: African/African-American, 0.0013%; no homozygotes.

Submissions (2):

Blueprint Genetics
Classification: Likely pathogenic for ATP2A2-related disorders. Last evaluated: 2022-07-29. Review status: criteria provided, single submitter. Criteria: ACMG Guidelines, 2015. Collection method: clinical testing. Allele origin: germline. Affected: yes. Observed: 2 variant alleles.

GeneDx
Classification: Uncertain significance. Last evaluated: 2020-08-11. Review status: criteria provided, single submitter. Criteria: GeneDx Variant Classification Process June 2021. Collection method: clinical testing. Allele origin: germline. Affected: yes.
Comment: Not observed in large population cohorts (Lek et al., 2016); In silico analysis supports that this missense variant has a deleterious effect on protein structure/function; Missense variants in this gene are often considered pathogenic (Stenson et al., 2014); This variant is associated with the following publications: (PMID: 23356892, 30345710)